The following is an entry in ClinVar:

ClinVar aggregate classification (germline): Uncertain significance. Review status: criteria provided, multiple submitters, no conflicts (2 of 4 stars). 6 submissions from 5 submitters: Uncertain significance (6). Last evaluated 2026-01-14.

Conditions:
Seckel syndrome 1 (SCKL1). Also called: MICROCEPHALIC PRIMORDIAL DWARFISM I. Identifiers: Orphanet 808, MedGen C4551474, MONDO:0008869, OMIM 210600.
Familial cutaneous telangiectasia and oropharyngeal predisposition cancer syndrome. Identifiers: Orphanet 313846, MedGen C3281203, MONDO:0013806, OMIM 614564.

Allele frequency attached by ClinVar (database versions not stated): gnomAD 0.00005 and 0.00006; TOPMed 0.00006; gnomAD exomes 0.00007 and 0.00012; ExAC 0.00008; ESP Exome Variant Server 0.00008.
gnomAD v4.1: 178 of 1,613,458 alleles (0.011%); highest among the groups gnomAD compares: Middle Eastern, 0.033%; no homozygotes.

Submissions (6):

Labcorp Genetics (formerly Invitae), Labcorp
Classification: Uncertain significance. Last evaluated: 2026-01-14. Review status: criteria provided, single submitter. Criteria: Invitae Variant Classification Sherloc (09022015). Collection method: clinical testing. Allele origin: germline.
Comment: This sequence change replaces valine, which is neutral and non-polar, with isoleucine, which is neutral and non-polar, at codon 885 of the ATR protein (p.Val885Ile). This variant is present in population databases (rs141606250, gnomAD 0.01%). This variant has not been reported in the literature in individuals affected with ATR-related conditions. ClinVar contains an entry for this variant (Variation ID: 343613). An algorithm developed to predict the effect of missense changes on protein structure and function outputs the following: PolyPhen-2: "Benign". The isoleucine amino acid residue is found in multiple mammalian species, which suggests that this missense change does not adversely affect protein function. In summary, the available evidence is currently insufficient to determine the role of this variant in disease. Therefore, it has been classified as a Variant of Uncertain Significance.

Blueprint Genetics
Classification: Uncertain significance. Last evaluated: 2024-07-09. Review status: criteria provided, single submitter. Criteria: ACMG Guidelines, 2015. Collection method: clinical testing. Allele origin: germline.

Fulgent Genetics
Classification: Uncertain significance for Seckel syndrome 1; Familial cutaneous telangiectasia and oropharyngeal predisposition cancer syndrome. Last evaluated: 2024-01-23. Review status: criteria provided, single submitter. Criteria: ACMG Guidelines, 2015. Collection method: clinical testing. Allele origin: germline.

Genome-Nilou Lab
Classification: Uncertain significance for Seckel syndrome 1. Last evaluated: 2023-02-08. Review status: criteria provided, single submitter. Criteria: ACMG Guidelines, 2015. Collection method: clinical testing. Allele origin: germline.

Genome-Nilou Lab
Classification: Uncertain significance for Familial cutaneous telangiectasia and oropharyngeal predisposition cancer syndrome. Last evaluated: 2023-02-08. Review status: criteria provided, single submitter. Criteria: ACMG Guidelines, 2015. Collection method: clinical testing. Allele origin: germline.

Illumina Laboratory Services, Illumina
Classification: Uncertain significance for Seckel syndrome 1. Last evaluated: 2018-01-12. Review status: criteria provided, single submitter. Criteria: ICSL Variant Classification Criteria 13 December 2019. Collection method: clinical testing. Allele origin: germline.

NM_001184.4(ATR):c.2653G>A (p.Val885Ile)

Gene: ATR (ATR checkpoint kinase; minus strand). Cytogenetic location: 3q23.
Variant type: single nucleotide variant.
Coding change: c.2653G>A on transcript NM_001184.4 (MANE Select); coding-DNA position 2653, G replaced by A.
Protein change: p.Val885Ile; replaces valine 885 with isoleucine.
Molecular consequence: missense variant.
Genome position (GRCh38, 1-based): chr3:142,553,379, C>T on the plus strand (G>A on the coding strand, the complement: ATR is on the minus strand). VCF-style: chr3-142553379-C-T. GRCh37 (hg19) VCF-style: chr3-142272221-C-T.
Other names: c.2461G>A, p.Val821Ile (NM_001354579.2); short protein forms V885I, V821I.
Identifiers: ClinVar variation 343613 (VCV000343613.14), dbSNP rs141606250, ClinGen allele CA2650296.